The following is an entry in ClinVar:

ClinVar aggregate classification (germline): Likely pathogenic (1 of 4 stars; one submission).

Conditions:
Autosomal recessive Alport syndrome (ATS2). Also called: COL4A3-Related Nephropathy; COL4A4 Alport Syndrome and Thin Basement Membrane Nephropathy; ALPORT SYNDROME 2, AUTOSOMAL RECESSIVE; Alport syndrome type 2. Identifiers: Orphanet 63, Orphanet 88919, MedGen C4746745, MONDO:0008762, OMIM 203780.

Submission:

Myriad Genetics, Inc.
Classification: Likely pathogenic for Autosomal recessive Alport syndrome. Last evaluated: 2022-02-28. Review status: criteria provided, single submitter. Criteria: Myriad Women's Health Autosomal Recessive and X-Linked Classification Criteria (2021). Collection method: clinical testing. Allele origin: unknown.
Comment: NM_000092.4(COL4A4):c.2241delC(G748Afs*5) is expected to be pathogenic in the context of COL4A4-related Alport syndrome. This variant is predicted to lead to an abnormal or absent protein product due to the creation of a premature termination codon in COL4A4, a gene where loss-of-function variants are known to be pathogenic. Please note: this variant was assessed in the context of healthy population screening.

NM_000092.5(COL4A4):c.2241del (p.Gly748fs)

Gene: COL4A4 (collagen type IV alpha 4 chain; minus strand). Cytogenetic location: 2q36.3.
Variant type: Deletion.
Coding change: c.2241del on transcript NM_000092.5 (MANE Select); coding-DNA position 2241, one base deleted (C; older notation c.2241delC).
Protein change: p.Gly748fs; shifts the reading frame from glycine 748.
Molecular consequence: frameshift variant.
Genome position (GRCh38, 1-based): chr2:227,059,547, G deleted on the plus strand (C on the coding strand, the reverse complement: COL4A4 is on the minus strand); the first of 3 consecutive G bases (chr2:227,059,547-227,059,549); deleting any one gives the same sequence. VCF-style (leftmost placement, unchanged base first): chr2-227059546-CG-C. GRCh37 (hg19) VCF-style: chr2-227924262-CG-C.
Other names: short protein forms G748fs.
Identifiers: ClinVar variation 1724804 (VCV001724804.2), dbSNP rs2474222643, ClinGen allele CA2580065920.